The following is an entry in ClinVar:

ClinVar aggregate classification (germline): Pathogenic (1 of 4 stars; one submission).

Conditions:
Citrin deficiency. Identifiers: Orphanet 247582, MedGen C1997910, MONDO:0016602.

Submission:

Labcorp Genetics (formerly Invitae), Labcorp
Classification: Pathogenic for Citrin deficiency. Last evaluated: 2023-01-07. Review status: criteria provided, single submitter. Criteria: Invitae Variant Classification Sherloc (09022015). Collection method: clinical testing. Allele origin: unknown.
Comment: This variant is a gross deletion of the genomic region encompassing exon(s) 2 of the SLC25A13 gene. This variant would be expected to be in-frame, preserving the integrity of the reading frame. A similar copy number variant has been observed in individual(s) with citrin deficiency (Invitae). In at least one individual the data is consistent with being in trans (on the opposite chromosome) from a pathogenic variant. For these reasons, this variant has been classified as Pathogenic.

NC_000007.13:g.(?_95926190)_(95926283_?)del

Gene: SLC25A13 (solute carrier family 25 member 13; minus strand). Cytogenetic location: 7q21.3.
Variant type: Deletion.
Identifiers: ClinVar variation 3245770 (VCV003245770.1).